The following is an entry in ClinVar:

NM_138701.4(MPLKIP):c.278C>A (p.Ser93Tyr)

Gene: MPLKIP (M-phase specific PLK1 interacting protein; minus strand). Cytogenetic location: 7p14.1.
Variant type: single nucleotide variant.
Coding change: c.278C>A on transcript NM_138701.4 (MANE Select); coding-DNA position 278, C replaced by A.
Protein change: p.Ser93Tyr; replaces serine 93 with tyrosine.
Molecular consequence: missense variant.
Genome position (GRCh38, 1-based): chr7:40,134,290, G>T on the plus strand (C>A on the coding strand, the complement: MPLKIP is on the minus strand). VCF-style: chr7-40134290-G-T. GRCh37 (hg19) VCF-style: chr7-40173889-G-T.
Other names: short protein forms S93Y.
Identifiers: ClinVar variation 1003890 (VCV001003890.4), dbSNP rs776528940, ClinGen allele CA4229211.
Genomic context (GRCh38, chr7:40,134,290, plus strand): 5'-TGGGGGTGGGTCTGCTGCTGCCCTGGGGAGTAGCCGAATTGCTGCTGGGACCCCGCGGGG[G>T]ACCTGGAGTAGGAGCCAGGGTAGCCGCCAGGGGACGGAGACCCGAACCGGCCCCCCGGGA-3'
Protein context (NP_619646.1, residues 83-103): PGGYPGSYSR[Ser93Tyr]PAGSQQQFGY

ClinVar aggregate classification (germline): Uncertain significance (1 of 4 stars; one submission).

Allele frequency attached by ClinVar (database versions not stated): TOPMed 0.00019; ExAC 0.00040.
gnomAD v4.1: 199 of 1,559,758 alleles (0.013%); highest among the groups gnomAD compares: Non-Finnish European, 0.012%; no homozygotes.

Submission:

Labcorp Genetics (formerly Invitae), Labcorp
Classification: Uncertain significance. Last evaluated: 2022-08-31. Review status: criteria provided, single submitter. Criteria: Invitae Variant Classification Sherloc (09022015). Collection method: clinical testing. Allele origin: germline.
Comment: This sequence change replaces serine, which is neutral and polar, with tyrosine, which is neutral and polar, at codon 93 of the MPLKIP protein (p.Ser93Tyr). This variant is present in population databases (rs776528940, gnomAD 0.2%). This variant has not been reported in the literature in individuals affected with MPLKIP-related conditions. ClinVar contains an entry for this variant (Variation ID: 1003890). Algorithms developed to predict the effect of missense changes on protein structure and function (SIFT, PolyPhen-2, Align-GVGD) all suggest that this variant is likely to be disruptive. Algorithms developed to predict the effect of sequence changes on RNA splicing suggest that this variant may create or strengthen a splice site. In summary, the available evidence is currently insufficient to determine the role of this variant in disease. Therefore, it has been classified as a Variant of Uncertain Significance.